The following is an entry in ClinVar:

ClinVar aggregate classification (germline): Uncertain significance (1 of 4 stars; one submission).

Submission:

Ambry Genetics
Classification: Uncertain significance. Last evaluated: 2025-12-26. Review status: criteria provided, single submitter. Criteria: Ambry Variant Classification Scheme 2023. Collection method: clinical testing. Allele origin: germline.
Comment: The p.L280V variant (also known as c.838T>G), located in coding exon 7 of the RAD51B gene, results from a T to G substitution at nucleotide position 838. The leucine at codon 280 is replaced by valine, an amino acid with highly similar properties. This amino acid position is conserved. In addition, this alteration is predicted to be tolerated by in silico analysis. Based on the available evidence, the clinical significance of this variant remains unclear.

NM_133510.4(RAD51B):c.838T>G (p.Leu280Val)

Gene: RAD51B (RAD51 paralog B; plus strand). Cytogenetic location: 14q24.1.
Variant type: single nucleotide variant.
Coding change: c.838T>G on transcript NM_133510.4 (MANE Select); coding-DNA position 838, T replaced by G.
Protein change: p.Leu280Val; replaces leucine 280 with valine.
Molecular consequence: missense variant.
Genome position (GRCh38, 1-based): chr14:68,291,965, T>G. VCF-style: chr14-68291965-T-G. GRCh37 (hg19) VCF-style: chr14-68758682-T-G.
Other names: c.838T>G, p.Leu280Val (NM_001321809.2, NM_001321810.2, NM_001321812.1 and 6 more transcripts); c.724T>G, p.Leu242Val (NM_001321815.1); c.481T>G, p.Leu161Val (NM_001321817.2); short protein forms L242V, L161V, L280V.
Identifiers: ClinVar variation 4842722 (VCV004842722.1).
Genomic context (GRCh38, chr14:68,291,965, plus strand): 5'-ACAACCCATCTGAGTGGAGCCCTGGCTTCTCAGGCAGACCTGGTGTCTCCAGCTGATGAT[T>G]TGTCCCTGTCTGAAGGTAAGGAATCTGTCCTGGAGAGGCTGAAACTTGACACTGACATAG-3'
Protein context (NP_598194.1, residues 270-290): QADLVSPADD[Leu280Val]SLSEGTSGSS